The following is an entry in ClinVar:

NM_005732.4(RAD50):c.314A>G (p.Lys105Arg)

Gene: RAD50 (RAD50 double strand break repair protein; plus strand). Cytogenetic location: 5q31.1.
Variant type: single nucleotide variant.
Coding change: c.314A>G on transcript NM_005732.4 (MANE Select); coding-DNA position 314, A replaced by G.
Protein change: p.Lys105Arg; replaces lysine 105 with arginine.
Molecular consequence: missense variant.
Genome position (GRCh38, 1-based): chr5:132,575,877, A>G. VCF-style: chr5-132575877-A-G. GRCh37 (hg19) VCF-style: chr5-131911569-A-G.
Other names: short protein forms K105R.
Identifiers: ClinVar variation 2080079 (VCV002080079.4), dbSNP rs2479608392, ClinGen allele CA360931099.
Genomic context (GRCh38, chr5:132,575,877, plus strand): 5'-AATTTCGTGATGTCAATGGAGAACTTATAGCTGTGCAAAGATCTATGGTGTGTACTCAGA[A>G]AAGCAAAAAGACAGAATTTAAAACTCTGGAAGGAGTCATTACTAGAACAAAGTAGGTGTT-3'
Protein context (NP_005723.2, residues 95-115): AVQRSMVCTQ[Lys105Arg]SKKTEFKTLE

ClinVar aggregate classification (germline): Uncertain significance (1 of 4 stars; one submission).

Conditions:
Hereditary cancer-predisposing syndrome. Also called: Hereditary Cancer Syndrome; Tumor predisposition; Hereditary neoplastic syndrome; Neoplastic Syndromes, Hereditary. Identifiers: Orphanet 140162, MedGen C0027672, MeSH D009386, MONDO:0015356.

Submission:

Labcorp Genetics (formerly Invitae), Labcorp
Classification: Uncertain significance for Hereditary cancer-predisposing syndrome. Last evaluated: 2022-01-11. Review status: criteria provided, single submitter. Criteria: Invitae Variant Classification Sherloc (09022015). Collection method: clinical testing. Allele origin: germline.
Comment: In summary, the available evidence is currently insufficient to determine the role of this variant in disease. Therefore, it has been classified as a Variant of Uncertain Significance. Algorithms developed to predict the effect of missense changes on protein structure and function are either unavailable or do not agree on the potential impact of this missense change (SIFT: "Tolerated"; PolyPhen-2: "Possibly Damaging"; Align-GVGD: "Class C0"). This variant has not been reported in the literature in individuals affected with RAD50-related conditions. This variant is not present in population databases (gnomAD no frequency). This sequence change replaces lysine, which is basic and polar, with arginine, which is basic and polar, at codon 105 of the RAD50 protein (p.Lys105Arg).